The following is an entry in ClinVar:

NM_153603.4(COG7):c.173C>G (p.Thr58Arg)

Gene: COG7 (component of oligomeric golgi complex 7; minus strand). Cytogenetic location: 16p12.2.
Variant type: single nucleotide variant.
Coding change: c.173C>G on transcript NM_153603.4 (MANE Select); coding-DNA position 173, C replaced by G.
Protein change: p.Thr58Arg; replaces threonine 58 with arginine.
Molecular consequence: missense variant.
Genome position (GRCh38, 1-based): chr16:23,445,958, G>C on the plus strand (C>G on the coding strand, the complement: COG7 is on the minus strand). VCF-style: chr16-23445958-G-C. GRCh37 (hg19) VCF-style: chr16-23457279-G-C.
Other names: short protein forms T58R.
Identifiers: ClinVar variation 1369728 (VCV001369728.8), dbSNP rs866875812, ClinGen allele CA395117843.

ClinVar aggregate classification (germline): Uncertain significance. Review status: criteria provided, multiple submitters, no conflicts (2 of 4 stars). 2 submissions from 2 submitters: Uncertain significance (2). Last evaluated 2022-12-13.

Conditions:
COG7 congenital disorder of glycosylation (CDG2E). Also called: CONGENITAL DISORDER OF GLYCOSYLATION, TYPE IIe; CDG IIe. Identifiers: Orphanet 79333, MedGen C2931010, MONDO:0012118, OMIM 608779.

Allele frequency attached by ClinVar (database versions not stated): gnomAD exomes below 0.00001; TOPMed below 0.00001; gnomAD 0.00001 and 0.00002.
gnomAD v4.1: 3 of 1,448,768 alleles (0.00021%); highest among the groups gnomAD compares: African/African-American, 0.0045%; no homozygotes.

Submissions (2):

Revvity Omics, Revvity
Classification: Uncertain significance for COG7 congenital disorder of glycosylation. Last evaluated: 2022-12-13. Review status: criteria provided, single submitter. Criteria: ACMG Guidelines, 2015. Collection method: clinical testing. Allele origin: germline.

Labcorp Genetics (formerly Invitae), Labcorp
Classification: Uncertain significance for COG7 congenital disorder of glycosylation. Last evaluated: 2021-12-10. Review status: criteria provided, single submitter. Criteria: Invitae Variant Classification Sherloc (09022015). Collection method: clinical testing. Allele origin: germline.
Comment: In summary, the available evidence is currently insufficient to determine the role of this variant in disease. Therefore, it has been classified as a Variant of Uncertain Significance. Algorithms developed to predict the effect of missense changes on protein structure and function are either unavailable or do not agree on the potential impact of this missense change (SIFT: "Deleterious"; PolyPhen-2: "Benign"; Align-GVGD: "Class C0"). This variant has not been reported in the literature in individuals affected with COG7-related conditions. This variant is not present in population databases (gnomAD no frequency). This sequence change replaces threonine, which is neutral and polar, with arginine, which is basic and polar, at codon 58 of the COG7 protein (p.Thr58Arg).